The following is an entry in ClinVar:

ClinVar aggregate classification (germline): Uncertain significance (1 of 4 stars; one submission).

Allele frequency attached by ClinVar (database versions not stated): TOPMed below 0.00001; gnomAD 0.00002.
gnomAD v4.1: 3 of 1,612,208 alleles (0.00019%); highest among the groups gnomAD compares: Admixed American, 0.0033%; no homozygotes.

Submission:

Labcorp Genetics (formerly Invitae), Labcorp
Classification: Uncertain significance. Last evaluated: 2022-10-31. Review status: criteria provided, single submitter. Criteria: Invitae Variant Classification Sherloc (09022015). Collection method: clinical testing. Allele origin: germline.
Comment: This sequence change replaces arginine, which is basic and polar, with leucine, which is neutral and non-polar, at codon 3269 of the FAT2 protein (p.Arg3269Leu). This variant is not present in population databases (gnomAD no frequency). This variant has not been reported in the literature in individuals affected with FAT2-related conditions. Advanced modeling of protein sequence and biophysical properties (such as structural, functional, and spatial information, amino acid conservation, physicochemical variation, residue mobility, and thermodynamic stability) performed at Invitae indicates that this missense variant is not expected to disrupt FAT2 protein function. In summary, the available evidence is currently insufficient to determine the role of this variant in disease. Therefore, it has been classified as a Variant of Uncertain Significance.

NM_001447.3(FAT2):c.9806G>T (p.Arg3269Leu)

Genes: FAT2 (FAT atypical cadherin 2; minus strand), SLC36A1 (solute carrier family 36 member 1; plus strand). Cytogenetic location: 5q33.1.
Variant type: single nucleotide variant.
Coding change: c.9806G>T on transcript NM_001447.3 (MANE Select); coding-DNA position 9806, G replaced by T.
Protein change: p.Arg3269Leu; replaces arginine 3269 with leucine.
Molecular consequence: missense variant.
Genome position (GRCh38, 1-based): chr5:151,531,592, C>A on the plus strand (G>T on the coding strand, the complement: FAT2 is on the minus strand). VCF-style: chr5-151531592-C-A. GRCh37 (hg19) VCF-style: chr5-150911153-C-A.
Other names: short protein forms R3269L.
Identifiers: ClinVar variation 2980301 (VCV002980301.3), dbSNP rs1754612838, ClinGen allele CA361826846.